The following is an entry in ClinVar:

ClinVar aggregate classification (germline): Pathogenic. Review status: criteria provided, multiple submitters, no conflicts (2 of 4 stars). 4 submissions from 4 submitters: Pathogenic (4). Last evaluated 2025-07-21.

Conditions:
Autosomal recessive limb-girdle muscular dystrophy type 2L (LGMDR12). Also called: Limb-girdle muscular dystrophy, type 2L; MUSCULAR DYSTROPHY, LIMB-GIRDLE, AUTOSOMAL RECESSIVE 12; Limb-Girdle Muscular Dystrophy R12 Anoctamin-5-Related (LGMD-R12). Identifiers: Orphanet 206549, MedGen C1969785, MONDO:0012652, OMIM 611307.
Gnathodiaphyseal dysplasia (GDD). Also called: GNATHODIAPHYSEAL SCLEROSIS; OSTEOGENESIS IMPERFECTA WITH UNUSUAL SKELETAL LESIONS. Identifiers: Orphanet 53697, MedGen C1833736, MONDO:0008151, OMIM 166260.
Autosomal recessive limb-girdle muscular dystrophy. Identifiers: Orphanet 102015, MedGen C2931907, MONDO:0015152.

Allele frequency attached by ClinVar (database versions not stated): gnomAD exomes below 0.00001.
gnomAD v4.1: 1 of 1,612,608 alleles (0.000062%); highest among the groups gnomAD compares: Non-Finnish European, 0.000085%; no homozygotes.

Submissions (4):

GeneDx
Classification: Pathogenic. Last evaluated: 2025-07-21. Review status: criteria provided, single submitter. Criteria: GeneDx Variant Classification Process June 2021. Collection method: clinical testing. Allele origin: germline. Affected: yes.
Comment: Nonsense variant predicted to result in protein truncation or nonsense mediated decay in a gene for which loss of function is a known mechanism of disease; Not observed at significant frequency in large population cohorts (gnomAD); This variant is associated with the following publications: (PMID: 27708273)

Women's Health and Genetics/Laboratory Corporation of America, LabCorp
Classification: Pathogenic for Autosomal recessive limb-girdle muscular dystrophy. Last evaluated: 2024-10-11. Review status: criteria provided, single submitter. Criteria: LabCorp Variant Classification Summary - May 2015. Collection method: clinical testing. Allele origin: germline.
Comment: Variant summary: ANO5 c.835C>T (p.Arg279X) results in a premature termination codon, predicted to cause absence of the protein due to nonsense mediated decay, which is a commonly known mechanism for disease. The variant was absent in 251178 control chromosomes. c.835C>T has been reported in the literature in at-least three individuals affected with Limb-Girdle Muscular Dystrophy, Autosomal Recessive (example, Reddy_2016). These data indicate that the variant may be associated with disease. To our knowledge, no experimental evidence demonstrating an impact on protein function has been reported. The following publication has been ascertained in the context of this evaluation (PMID: 27708273). ClinVar contains an entry for this variant (Variation ID: 596409). Based on the evidence outlined above, the variant was classified as pathogenic.

Labcorp Genetics (formerly Invitae), Labcorp
Classification: Pathogenic for Autosomal recessive limb-girdle muscular dystrophy type 2L; Gnathodiaphyseal dysplasia. Last evaluated: 2024-08-15. Review status: criteria provided, single submitter. Criteria: Invitae Variant Classification Sherloc (09022015). Collection method: clinical testing. Allele origin: germline.
Comment: This sequence change creates a premature translational stop signal (p.Arg279*) in the ANO5 gene. It is expected to result in an absent or disrupted protein product. Loss-of-function variants in ANO5 are known to be pathogenic (PMID: 21186264, 23606453, 25891276, 30919934). This variant is not present in population databases (gnomAD no frequency). This premature translational stop signal has been observed in individual(s) with autosomal recessive limb-girdle muscular dystrophy (PMID: 27708273). ClinVar contains an entry for this variant (Variation ID: 596409). Algorithms developed to predict the effect of sequence changes on RNA splicing suggest that this variant may disrupt the consensus splice site. For these reasons, this variant has been classified as Pathogenic.

Eurofins Ntd Llc (ga)
Classification: Pathogenic. Last evaluated: 2018-03-13. Review status: criteria provided, single submitter. Criteria: EGL ClinVar v180209 classification definitions. Collection method: clinical testing. Allele origin: germline. Observed: 1 variant allele, 1 heterozygote.

Literature cited by the submitters: PubMed 27708273 (cited by Women's Health and Genetics/Laboratory Corporation of America, LabCorp and Labcorp Genetics (formerly Invitae), Labcorp); PubMed 21186264 (cited by Labcorp Genetics (formerly Invitae), Labcorp); PubMed 23606453 (cited by Labcorp Genetics (formerly Invitae), Labcorp); PubMed 25891276 (cited by Labcorp Genetics (formerly Invitae), Labcorp); PubMed 30919934 (cited by Labcorp Genetics (formerly Invitae), Labcorp).

NM_213599.3(ANO5):c.835C>T (p.Arg279Ter)

Gene: ANO5 (anoctamin 5; plus strand). Cytogenetic location: 11p14.3.
Variant type: single nucleotide variant.
Coding change: c.835C>T on transcript NM_213599.3 (MANE Select); coding-DNA position 835, C replaced by T.
Protein change: p.Arg279Ter; replaces arginine 279 with a stop codon.
Molecular consequence: nonsense.
Genome position (GRCh38, 1-based): chr11:22,239,641, C>T. VCF-style: chr11-22239641-C-T. GRCh37 (hg19) VCF-style: chr11-22261187-C-T.
Other names: c.835C>T (NM_213599.2); c.832C>T, p.Arg278Ter (NM_001142649.2); short protein forms R279*, R278*.
Identifiers: ClinVar variation 596409 (VCV000596409.14), dbSNP rs1564930625, ClinGen allele CA379920522.